The following is an entry in ClinVar:

ClinVar aggregate classification (germline): Pathogenic/Likely pathogenic. Review status: criteria provided, multiple submitters, no conflicts (2 of 4 stars). 2 submissions from 2 submitters: Pathogenic (1); Likely pathogenic (1). Last evaluated 2025-02-20.

Conditions:
Dilated cardiomyopathy 1G (CMD1G). Identifiers: Orphanet 154, MedGen C1858763, MONDO:0011400, OMIM 604145.
Autosomal recessive limb-girdle muscular dystrophy type 2J (LGMDR10). Also called: Limb-girdle muscular dystrophy, type 2J; MUSCULAR DYSTROPHY, LIMB-GIRDLE, AUTOSOMAL RECESSIVE 10. Identifiers: Orphanet 140922, MedGen C1837342, MONDO:0012127, OMIM 608807.

Submissions (2):

Labcorp Genetics (formerly Invitae), Labcorp
Classification: Likely pathogenic for Dilated cardiomyopathy 1G; Autosomal recessive limb-girdle muscular dystrophy type 2J. Last evaluated: 2025-02-20. Review status: criteria provided, single submitter. Criteria: Invitae Variant Classification Sherloc (09022015). Collection method: clinical testing. Allele origin: germline.
Comment: This sequence change creates a premature translational stop signal (p.Ser22833*) in the TTN gene. While this is not anticipated to result in nonsense mediated decay, it is expected to create a truncated TTN protein. This variant is not present in population databases (gnomAD no frequency). This variant has not been reported in the literature in individuals affected with TTN-related conditions. ClinVar contains an entry for this variant (Variation ID: 379497). This variant is located in the A band of TTN (PMID: 25589632). Truncating variants in this region are significantly overrepresented in patients affected with dilated cardiomyopathy (PMID: 25589632). Truncating variants in this region have also been reported in individuals affected with autosomal recessive centronuclear myopathy (PMID: 23975875). In summary, the currently available evidence indicates that the variant is pathogenic, but additional data are needed to prove that conclusively. Therefore, this variant has been classified as Likely Pathogenic.

GeneDx
Classification: Pathogenic. Last evaluated: 2019-10-29. Review status: criteria provided, single submitter. Criteria: GeneDx Variant Classification Process June 2021. Collection method: clinical testing. Allele origin: germline. Affected: yes.
Comment: Not observed in large population cohorts (Lek et al., 2016); Has not been previously published as pathogenic or benign to our knowledge

Literature cited by the submitters: PubMed 25589632 (cited by Labcorp Genetics (formerly Invitae), Labcorp); PubMed 23975875 (cited by Labcorp Genetics (formerly Invitae), Labcorp).

NM_001267550.2(TTN):c.68498C>G (p.Ser22833Ter)

Genes: TTN-AS1 (TTN antisense RNA 1; plus strand), TTN (titin; minus strand). Cytogenetic location: 2q31.2.
Variant type: single nucleotide variant.
Coding change: c.68498C>G on transcript NM_001267550.2 (MANE Select); coding-DNA position 68498, C replaced by G.
Protein change: p.Ser22833Ter; replaces serine 22833 with a stop codon.
Molecular consequence: nonsense.
Genome position (GRCh38, 1-based): chr2:178,578,017, G>C on the plus strand (C>G on the coding strand, the complement: TTN is on the minus strand). VCF-style: chr2-178578017-G-C. GRCh37 (hg19) VCF-style: chr2-179442744-G-C.
Other names: c.63575C>G, p.Ser21192Ter (NM_001256850.1); c.41303C>G, p.Ser13768Ter (NM_003319.4); c.60794C>G, p.Ser20265Ter (NM_133378.4); c.41678C>G, p.Ser13893Ter (NM_133432.3); c.41879C>G, p.Ser13960Ter (NM_133437.4); short protein forms S21192*, S22833*, S13768*, S13893*, S20265*, S13960*.
Identifiers: ClinVar variation 379497 (VCV000379497.4), dbSNP rs876658077, ClinGen allele CA16603885.